The following is an entry in ClinVar:

ClinVar aggregate classification (germline): Benign. Review status: criteria provided, multiple submitters, no conflicts (2 of 4 stars). 4 submissions from 3 submitters: Benign (4). Last evaluated 2018-01-13.

Conditions:
Wolfram syndrome 1 (WFS1). Identifiers: Orphanet 3463, MedGen C4551693, MONDO:0009101, OMIM 222300.
WFS1-Related Spectrum Disorders.
Autosomal dominant nonsyndromic hearing loss 6 (LFSNHL). Also called: DEAFNESS, AUTOSOMAL DOMINANT 6; DEAFNESS, AUTOSOMAL DOMINANT 14; DEAFNESS, AUTOSOMAL DOMINANT 38; Autosomal dominant nonsyndromic deafness 6; DIDMOAD (Diabetes Insipidus, Diabetes Mellitus, Optic Atrophy, and Deafness). Identifiers: Orphanet 90635, MedGen C1833021, MONDO:0010963, OMIM 600965.

Allele frequency attached by ClinVar (database versions not stated): gnomAD 0.01713 and 0.01612; 1000 Genomes Project 0.01717; gnomAD exomes 0.00130; 1000 Genomes Project 30x 0.01655; TOPMed 0.01858.
gnomAD v4.1: 2,431 of 155,452 alleles (1.6%); highest among the groups gnomAD compares: African/African-American, 5.5%; 53 homozygotes.

Submissions (4):

Illumina Laboratory Services, Illumina
Classification: Benign for WFS1-Related Spectrum Disorders. Last evaluated: 2018-01-13. Review status: criteria provided, single submitter. Criteria: ICSL Variant Classification Criteria 13 December 2019. Collection method: clinical testing. Allele origin: germline.
Comment: This variant was observed in the ICSL laboratory as part of a predisposition screen in an ostensibly healthy population. It had not been previously curated by ICSL or reported in the Human Gene Mutation Database (HGMD: prior to June 1st, 2018), and was therefore a candidate for classification through an automated scoring system. Utilizing variant allele frequency, disease prevalence and penetrance estimates, and inheritance mode, an automated score was calculated to assess if this variant is too frequent to cause the disease. Based on the score and internal cut-off values, a variant classified as benign is not then subjected to further curation. The score for this variant resulted in a classification of benign for this disease.

Illumina Laboratory Services, Illumina
Classification: Benign for Autosomal dominant nonsyndromic hearing loss 6. Last evaluated: 2018-01-13. Review status: criteria provided, single submitter. Criteria: ICSL Variant Classification Criteria 13 December 2019. Collection method: clinical testing. Allele origin: germline.
Comment: the same text as in the submission from Illumina Laboratory Services, Illumina above.

Breakthrough Genomics
Classification: Benign. Review status: criteria provided, single submitter. Criteria: ACMG Guidelines, 2015. Collection method: not provided. Allele origin: germline. Inheritance: Autosomal recessive inheritance. Affected: yes.

Clinical Genomics, Uppaluri K&H Personalized Medicine Clinic
Classification: Benign for Wolfram syndrome 1. Review status: criteria provided, single submitter. Criteria: K & H Uppaluri Personalized Medicine Clinic Variant Classification & Assertion Criteria_Updated V.1. Collection method: research. Allele origin: unknown. Inheritance: Autosomal recessive inheritance.
Comment: Potent mutations in WFS1 gene are associated with Wolfram's syndrome, an autosomal recessive condition, which cause diabetes mellitus, diabetes insipidus, deafness and optic atrophy.However no sufficient evidence is found to ascertain the role of this particular variant rs71528901 in Wolfram's syndrome yet.

Literature cited by the submitters: PubMed 20738327 (cited by Clinical Genomics, Uppaluri K&H Personalized Medicine Clinic); PubMed 33879153 (cited by Clinical Genomics, Uppaluri K&H Personalized Medicine Clinic); PubMed 12955714 (cited by Clinical Genomics, Uppaluri K&H Personalized Medicine Clinic); PubMed 18060660 (cited by Clinical Genomics, Uppaluri K&H Personalized Medicine Clinic); PubMed 20301750 (cited by Clinical Genomics, Uppaluri K&H Personalized Medicine Clinic); PubMed 17603484 (cited by Clinical Genomics, Uppaluri K&H Personalized Medicine Clinic).

NM_006005.3(WFS1):c.*637T>C

Gene: WFS1 (wolframin ER transmembrane glycoprotein; plus strand). Cytogenetic location: 4p16.1.
Variant type: single nucleotide variant.
Coding change: c.*637T>C on transcript NM_006005.3 (MANE Select); 637 bases downstream of the stop codon, T replaced by C.
Molecular consequence: 3 prime UTR variant.
Genome position (GRCh38, 1-based): chr4:6,303,105, T>C. VCF-style: chr4-6303105-T-C. GRCh37 (hg19) VCF-style: chr4-6304832-T-C.
Other names: c.*637T>C (NM_001145853.1).
Identifiers: ClinVar variation 349356 (VCV000349356.7), dbSNP rs71528901, ClinGen allele CA10621459.